The following is an entry in ClinVar:

NM_001009944.3(PKD1):c.10346_10347del (p.Glu3449fs)

Gene: PKD1 (polycystin 1, transient receptor potential channel interacting; minus strand). Cytogenetic location: 16p13.3.
Variant type: Microsatellite.
Coding change: c.10346_10347del on transcript NM_001009944.3 (MANE Select); coding-DNA positions 10346 to 10347, 2 bases deleted (AG; older notation c.10346_10347delAG).
Protein change: p.Glu3449fs; shifts the reading frame from glutamic acid 3449.
Molecular consequence: frameshift variant.
Genome position (GRCh38, 1-based): chr16:2,097,377-2,097,378, CT deleted on the plus strand (AG on the coding strand, the reverse complement: PKD1 is on the minus strand); deleting any 2 consecutive bases within chr16:2,097,377-2,097,380 gives the same sequence; the c. name uses the placement nearest the transcript's 3' end. VCF-style (leftmost placement, unchanged base first): chr16-2097376-CCT-C. GRCh37 (hg19) VCF-style: chr16-2147377-CCT-C.
Other names: c.10343_10344del, p.Glu3448fs (NM_000296.4); short protein forms E3448fs, E3449fs.
Identifiers: ClinVar variation 5038261 (VCV005038261.1).

ClinVar aggregate classification (germline): Pathogenic (1 of 4 stars; one submission).

Conditions:
Polycystic kidney disease, adult type (PKD1). Also called: Polycystic Kidney Disease 1, Autosomal Dominant; POLYCYSTIC KIDNEY DISEASE, ADULT, TYPE I; Polycystic kidney disease 1; Polycystic kidney disease 1, severe; POLYCYSTIC KIDNEY DISEASE 1 WITH OR WITHOUT POLYCYSTIC LIVER DISEASE; Polycystic Kidney, Autosomal Dominant. Identifiers: MedGen C3149841, MONDO:0008263, OMIM 173900.

Submission:

MVZ Medizinische Genetik Mainz
Classification: Pathogenic for Polycystic kidney disease, adult type. Last evaluated: 2026-08-11. Review status: criteria provided, single submitter. Criteria: UK Practice Guidelines For Variant Classification V4 01 2020. Collection method: clinical testing. Allele origin: germline. Inheritance: Autosomal dominant inheritance. Affected: yes. Observed: 1 variant allele.
Comment: ACMG Criteria: PVS1,PM2_SUP,PP4